The following is an entry in ClinVar:

ClinVar aggregate classification (germline): Benign. Review status: criteria provided, multiple submitters, no conflicts (2 of 4 stars). 2 submissions from 2 submitters: Benign (2). Last evaluated 2018-01-12.

Conditions:
Fleck corneal dystrophy (CFD). Also called: CORNEAL DYSTROPHY, FRANCOIS-NEETENS SPECKLED OR FLECKED. Identifiers: Orphanet 98970, MedGen C1562113, MONDO:0007376, OMIM 121850.

Allele frequency attached by ClinVar (database versions not stated): 1000 Genomes Project 0.00339; 1000 Genomes Project 30x 0.00406; gnomAD 0.01043 and 0.01071; TOPMed 0.01087.

Submissions (2):

Illumina Laboratory Services, Illumina
Classification: Benign for Fleck corneal dystrophy. Last evaluated: 2018-01-12. Review status: criteria provided, single submitter. Criteria: ICSL Variant Classification Criteria 13 December 2019. Collection method: clinical testing. Allele origin: germline.
Comment: This variant was observed in the ICSL laboratory as part of a predisposition screen in an ostensibly healthy population. It had not been previously curated by ICSL or reported in the Human Gene Mutation Database (HGMD: prior to June 1st, 2018), and was therefore a candidate for classification through an automated scoring system. Utilizing variant allele frequency, disease prevalence and penetrance estimates, and inheritance mode, an automated score was calculated to assess if this variant is too frequent to cause the disease. Based on the score and internal cut-off values, a variant classified as benign is not then subjected to further curation. The score for this variant resulted in a classification of benign for this disease.

Breakthrough Genomics
Classification: Benign. Review status: criteria provided, single submitter. Criteria: ACMG Guidelines, 2015. Collection method: not provided. Allele origin: germline. Inheritance: Autosomal dominant inheritance. Affected: yes.

NM_015040.4(PIKFYVE):c.*1978T>C

Gene: PIKFYVE (phosphoinositide kinase, FYVE-type zinc finger containing; plus strand). Cytogenetic location: 2q34.
Variant type: single nucleotide variant.
Coding change: c.*1978T>C on transcript NM_015040.4 (MANE Select); 1978 bases downstream of the stop codon, T replaced by C.
Molecular consequence: 3 prime UTR variant.
Genome position (GRCh38, 1-based): chr2:208,357,283, T>C. VCF-style: chr2-208357283-T-C. GRCh37 (hg19) VCF-style: chr2-209222007-T-C.
Identifiers: ClinVar variation 333964 (VCV000333964.6), dbSNP rs535013196, ClinGen allele CA10612651.
Genomic context (GRCh38, chr2:208,357,283, plus strand): 5'-GAACAATGGATTTTGTATCTGATTTAAAATGCCAACACTGTTTTGTCTCTGTTCATTTTT[T>C]CTGTGAGGATACTTAAGGTTATTATTCCTGTCTGTTTCCTGTACTCCCCTAGTCATGAGC-3'